The following is an entry in ClinVar:

ClinVar aggregate classification (germline): Conflicting classifications of pathogenicity. Review status: criteria provided, conflicting classifications (1 of 4 stars). 2 submissions from 2 submitters: Uncertain significance (1); Likely benign (1). Last evaluated 2025-09-17.

Conditions:
MYH7B-related disorder. Also called: MYH7B-related condition.

Allele frequency attached by ClinVar (database versions not stated): ExAC 0.00010; TOPMed 0.00019; gnomAD 0.00023; gnomAD exomes 0.00026; ESP Exome Variant Server 0.00033.
gnomAD v4.1: 397 of 1,549,936 alleles (0.026%); highest among the groups gnomAD compares: Non-Finnish European, 0.031%; no homozygotes.

Submissions (2):

Labcorp Genetics (formerly Invitae), Labcorp
Classification: Uncertain significance. Last evaluated: 2025-09-17. Review status: criteria provided, single submitter. Criteria: Invitae Variant Classification Sherloc (09022015). Collection method: clinical testing. Allele origin: germline.
Comment: This sequence change falls in intron 31 of the MYH7B gene. It does not directly change the encoded amino acid sequence of the MYH7B protein. It affects a nucleotide within the consensus splice site. This variant is present in population databases (rs374030911, gnomAD 0.02%). This variant has not been reported in the literature in individuals affected with MYH7B-related conditions. ClinVar contains an entry for this variant (Variation ID: 2198559). Variants that disrupt the consensus splice site are a relatively common cause of aberrant splicing (PMID: 17576681, 9536098). Algorithms developed to predict the effect of sequence changes on RNA splicing suggest that this variant is not likely to affect RNA splicing. In summary, the available evidence is currently insufficient to determine the role of this variant in disease. Therefore, it has been classified as a Variant of Uncertain Significance.

PreventionGenetics, part of Exact Sciences
Classification: Likely benign for MYH7B-related condition. Last evaluated: 2025-07-09. Review status: criteria provided, single submitter. Criteria: ACMG Guidelines, 2015. Collection method: clinical testing. Allele origin: germline.
Comment: This variant is classified as likely benign based on ACMG/AMP sequence variant interpretation guidelines (Richards et al. 2015 PMID: 25741868, with internal and published modifications).

Literature cited by the submitters: PubMed 17576681 (cited by Labcorp Genetics (formerly Invitae), Labcorp); PubMed 9536098 (cited by Labcorp Genetics (formerly Invitae), Labcorp).

NM_020884.7(MYH7B):c.3357+4C>T

Gene: MYH7B (myosin heavy chain 7B; plus strand). Cytogenetic location: 20q11.22.
Variant type: single nucleotide variant.
Coding change: c.3357+4C>T on transcript NM_020884.7 (MANE Select); 4 bases into the intron after coding-DNA position 3357, C replaced by T.
Molecular consequence: intron variant.
Genome position (GRCh38, 1-based): chr20:34,997,177, C>T. VCF-style: chr20-34997177-C-T. GRCh37 (hg19) VCF-style: chr20-33584980-C-T.
Other names: c.3483+4C>T (NM_020884.4).
Identifiers: ClinVar variation 2198559 (VCV002198559.5), dbSNP rs374030911, ClinGen allele CA9827703.